The following is an entry in ClinVar:

NM_001382567.1(STIM1):c.1717C>A (p.Arg573Ser)

Gene: STIM1 (stromal interaction molecule 1; plus strand). Cytogenetic location: 11p15.4.
Variant type: single nucleotide variant.
Coding change: c.1717C>A on transcript NM_001382567.1 (MANE Select); coding-DNA position 1717, C replaced by A.
Protein change: p.Arg573Ser; replaces arginine 573 with serine.
Molecular consequence: missense variant. On other transcripts: 3 prime UTR variant (4), non-coding transcript variant (3).
Genome position (GRCh38, 1-based): chr11:4,091,364, C>A. VCF-style: chr11-4091364-C-A. GRCh37 (hg19) VCF-style: chr11-4112594-C-A.
Other names: c.1942C>A, p.Arg648Ser (NM_001277961.3); c.*38C>A (NM_001277962.2, NM_001382578.1, NM_001382579.1 and 1 more transcripts); c.1720C>A, p.Arg574Ser (NM_001382566.1); c.1645C>A, p.Arg549Ser (NM_001382568.1); c.1489C>A, p.Arg497Ser (NM_001382569.1); c.1396C>A, p.Arg466Ser (NM_001382570.1); c.1144C>A, p.Arg382Ser (NM_001382571.1); c.1402C>A, p.Arg468Ser (NM_001382575.1, NM_001382576.1, NM_001382577.1); and 2 more; short protein forms R542S, R574S, R466S, R379S, R497S, R648S, R382S, R468S.
Identifiers: ClinVar variation 2139802 (VCV002139802.5), dbSNP rs370846246, ClinGen allele CA379196774.

ClinVar aggregate classification (germline): Uncertain significance. Review status: criteria provided, multiple submitters, no conflicts (2 of 4 stars). 2 submissions from 2 submitters: Uncertain significance (2). Last evaluated 2025-11-04.

Conditions:
Inborn genetic diseases. Identifiers: MedGen C0950123, MeSH D030342.
Myopathy with tubular aggregates (TAM). Also called: Tubular Aggregate Myopathy. Identifiers: Orphanet 2593, MedGen C0410207, MONDO:0008051.
Stormorken syndrome (STRMK). Also called: THROMBOCYTOPATHY, ASPLENIA, AND MIOSIS. Identifiers: Orphanet 3204, MedGen C1861451, MONDO:0008497, OMIM 185070.
Combined immunodeficiency due to STIM1 deficiency. Also called: IMMUNODEFICIENCY 10; STIM1 DEFICIENCY. Identifiers: Orphanet 169090, Orphanet 317430, MedGen C2748557, MONDO:0013008, OMIM 612783.

gnomAD v4.1: 4 of 1,614,120 alleles (0.00025%); highest among the groups gnomAD compares: Admixed American, 0.005%; no homozygotes.

Submissions (2):

Labcorp Genetics (formerly Invitae), Labcorp
Classification: Uncertain significance for Myopathy with tubular aggregates; Combined immunodeficiency due to STIM1 deficiency; Stormorken syndrome. Last evaluated: 2025-11-04. Review status: criteria provided, single submitter. Criteria: Invitae Variant Classification Sherloc (09022015). Collection method: clinical testing. Allele origin: germline.
Comment: This sequence change replaces arginine, which is basic and polar, with serine, which is neutral and polar, at codon 542 of the STIM1 protein (p.Arg542Ser). This variant is present in population databases (no rsID available, gnomAD 0.003%). This variant has not been reported in the literature in individuals affected with STIM1-related conditions. ClinVar contains an entry for this variant (Variation ID: 2139802). Invitae Evidence Modeling of protein sequence and biophysical properties (such as structural, functional, and spatial information, amino acid conservation, physicochemical variation, residue mobility, and thermodynamic stability) indicates that this missense variant is not expected to disrupt STIM1 protein function with a negative predictive value of 95%. In summary, the available evidence is currently insufficient to determine the role of this variant in disease. Therefore, it has been classified as a Variant of Uncertain Significance.

Ambry Genetics
Classification: Uncertain significance for Inborn genetic diseases. Last evaluated: 2024-09-24. Review status: criteria provided, single submitter. Criteria: Ambry Variant Classification Scheme 2023. Collection method: clinical testing. Allele origin: germline.